The following is an entry in ClinVar:

NM_183357.3(ADCY5):c.3251A>G (p.Tyr1084Cys)

Gene: ADCY5 (adenylate cyclase 5; minus strand). Cytogenetic location: 3q21.1.
Variant type: single nucleotide variant.
Coding change: c.3251A>G on transcript NM_183357.3 (MANE Select); coding-DNA position 3251, A replaced by G.
Protein change: p.Tyr1084Cys; replaces tyrosine 1084 with cysteine.
Molecular consequence: missense variant.
Genome position (GRCh38, 1-based): chr3:123,291,189, T>C on the plus strand (A>G on the coding strand, the complement: ADCY5 is on the minus strand). VCF-style: chr3-123291189-T-C. GRCh37 (hg19) VCF-style: chr3-123010036-T-C.
Other names: c.2201A>G, p.Tyr734Cys (NM_001199642.1); c.3326A>G, p.Tyr1109Cys (NM_001378259.1); short protein forms Y1084C, Y1109C, Y734C.
Identifiers: ClinVar variation 1715259 (VCV001715259.5), dbSNP rs1939123861, ClinGen allele CA354223484.

ClinVar aggregate classification (germline): Uncertain significance (1 of 4 stars; one submission).

Allele frequency attached by ClinVar (database versions not stated): gnomAD exomes below 0.00001; TOPMed below 0.00001.

Submission:

Labcorp Genetics (formerly Invitae), Labcorp
Classification: Uncertain significance. Last evaluated: 2022-08-06. Review status: criteria provided, single submitter. Criteria: Invitae Variant Classification Sherloc (09022015). Collection method: clinical testing. Allele origin: germline.
Comment: This sequence change replaces tyrosine, which is neutral and polar, with cysteine, which is neutral and slightly polar, at codon 1084 of the ADCY5 protein (p.Tyr1084Cys). In summary, the available evidence is currently insufficient to determine the role of this variant in disease. Therefore, it has been classified as a Variant of Uncertain Significance. Algorithms developed to predict the effect of missense changes on protein structure and function (SIFT, PolyPhen-2, Align-GVGD) all suggest that this variant is likely to be disruptive. This variant has not been reported in the literature in individuals affected with ADCY5-related conditions. This variant is not present in population databases (gnomAD no frequency).